The following is an entry in ClinVar:

ClinVar aggregate classification (germline): Uncertain significance. Review status: criteria provided, multiple submitters, no conflicts (2 of 4 stars). 2 submissions from 2 submitters: Uncertain significance (2). Last evaluated 2025-08-13.

Conditions:
Dilated cardiomyopathy 1O (CMD1O). Also called: CARDIOMYOPATHY, DILATED, WITH VENTRICULAR TACHYCARDIA. Identifiers: Orphanet 154, MedGen C1837839, MONDO:0012062, OMIM 608569.

Submissions (2):

GeneDx
Classification: Uncertain significance. Last evaluated: 2025-08-13. Review status: criteria provided, single submitter. Criteria: GeneDx Variant Classification Process June 2021. Collection method: clinical testing. Allele origin: germline. Affected: yes.
Comment: Not observed at significant frequency in large population cohorts (gnomAD); Frameshift variant predicted to result in protein truncation or nonsense mediated decay in a gene or region of a gene for which loss of function is not a well-established mechanism of disease; Has not been previously published as pathogenic or benign to our knowledge

Labcorp Genetics (formerly Invitae), Labcorp
Classification: Uncertain significance for Dilated cardiomyopathy 1O. Last evaluated: 2019-04-11. Review status: criteria provided, single submitter. Criteria: Invitae Variant Classification Sherloc (09022015). Collection method: clinical testing. Allele origin: germline.
Comment: This sequence change creates a premature translational stop signal (p.Ala292Glufs*31) in the ABCC9 gene. It is expected to result in an absent or disrupted protein product. This variant is not present in population databases (ExAC no frequency). This variant has not been reported in the literature in individuals with ABCC9-related conditions. The current clinical and genetic evidence is not sufficient to establish whether loss-of-function variants in ABCC9 cause disease. In summary, the available evidence is currently insufficient to determine the role of this variant in disease. Therefore, it has been classified as a Variant of Uncertain Significance.

NM_020297.4(ABCC9):c.873_874dup (p.Ala292fs)

Gene: ABCC9 (ATP binding cassette subfamily C member 9; minus strand). Cytogenetic location: 12p12.1.
Variant type: Microsatellite.
Coding change: c.873_874dup on transcript NM_020297.4 (MANE Select); coding-DNA positions 873 to 874, 2 bases duplicated (AG; older notation c.873_874dupAG).
Protein change: p.Ala292fs; shifts the reading frame from alanine 292.
Molecular consequence: frameshift variant.
Genome position (GRCh38, 1-based): chr12:21,913,009-21,913,010, CT duplicated on the plus strand (AG on the coding strand, the reverse complement: ABCC9 is on the minus strand); duplicating any 2 consecutive bases within chr12:21,913,009-21,913,012 gives the same sequence; the c. name uses the placement nearest the transcript's 3' end. VCF-style (leftmost placement, unchanged base first): chr12-21913008-G-GCT. GRCh37 (hg19) VCF-style: chr12-22065942-G-GCT.
Other names: c.873_874dup, p.Ala292fs (NM_001377273.1, NM_005691.4); c.9_10dup, p.Ala4fs (NM_001377274.1); c.873_874dup (NM_020297.2); short protein forms A292fs, A4fs.
Identifiers: ClinVar variation 948821 (VCV000948821.2), dbSNP rs1948391239, ClinGen allele CA945544222.